The following is an entry in ClinVar:

ClinVar aggregate classification (germline): Uncertain significance (1 of 4 stars; one submission).

Submission:

Labcorp Genetics (formerly Invitae), Labcorp
Classification: Uncertain significance. Last evaluated: 2025-05-11. Review status: criteria provided, single submitter. Criteria: Invitae Variant Classification Sherloc (09022015). Collection method: clinical testing. Allele origin: germline.
Comment: This sequence change replaces isoleucine, which is neutral and non-polar, with methionine, which is neutral and non-polar, at codon 1551 of the SAMD9 protein (p.Ile1551Met). This variant is present in population databases (no rsID available, gnomAD 0.003%). This variant has not been reported in the literature in individuals affected with SAMD9-related conditions. Invitae Evidence Modeling of protein sequence and biophysical properties (such as structural, functional, and spatial information, amino acid conservation, physicochemical variation, residue mobility, and thermodynamic stability) has been performed for this missense variant. However, the output from this modeling did not meet the statistical confidence thresholds required to predict the impact of this variant on SAMD9 protein function. In summary, the available evidence is currently insufficient to determine the role of this variant in disease. Therefore, it has been classified as a Variant of Uncertain Significance.

NM_017654.4(SAMD9):c.4653A>G (p.Ile1551Met)

Gene: SAMD9 (sterile alpha motif domain containing 9; minus strand). Cytogenetic location: 7q21.2.
Variant type: single nucleotide variant.
Coding change: c.4653A>G on transcript NM_017654.4 (MANE Select); coding-DNA position 4653, A replaced by G.
Protein change: p.Ile1551Met; replaces isoleucine 1551 with methionine.
Molecular consequence: missense variant.
Genome position (GRCh38, 1-based): chr7:93,101,445, T>C on the plus strand (A>G on the coding strand, the complement: SAMD9 is on the minus strand). VCF-style: chr7-93101445-T-C. GRCh37 (hg19) VCF-style: chr7-92730758-T-C.
Other names: c.4653A>G, p.Ile1551Met (NM_001193307.2); short protein forms I1551M.
Identifiers: ClinVar variation 4765442 (VCV004765442.1).